The following is an entry in ClinVar:

ClinVar aggregate classification (germline): Pathogenic (1 of 4 stars; one submission).

Conditions:
Neurofibromatosis, type 1 (NF1). Also called: Peripheral type neurofibromatosis; VON RECKLINGHAUSEN DISEASE; NEUROFIBROMATOSIS, TYPE I, SOMATIC; Neurofibromatosis, type I. Identifiers: Orphanet 636, MedGen C0027831, MONDO:0018975, OMIM 162200. Disease mechanism: loss of function.

Submission:

Labcorp Genetics (formerly Invitae), Labcorp
Classification: Pathogenic for Neurofibromatosis, type 1. Last evaluated: 2024-05-12. Review status: criteria provided, single submitter. Criteria: Invitae Variant Classification Sherloc (09022015). Collection method: clinical testing. Allele origin: germline.
Comment: This sequence change creates a premature translational stop signal (p.Arg1666Glyfs*11) in the NF1 gene. It is expected to result in an absent or disrupted protein product. Loss-of-function variants in NF1 are known to be pathogenic (PMID: 10712197, 23913538). This variant is not present in population databases (gnomAD no frequency). This variant has not been reported in the literature in individuals affected with NF1-related conditions. For these reasons, this variant has been classified as Pathogenic.

Literature cited by the submitters: PubMed 10712197; PubMed 23913538.

NM_001042492.3(NF1):c.5059del (p.Arg1687fs)

Gene: NF1 (neurofibromin 1; plus strand). Cytogenetic location: 17q11.2.
Variant type: Deletion.
Coding change: c.5059del on transcript NM_001042492.3 (MANE Select); coding-DNA position 5059, one base deleted (A; older notation c.5059delA).
Protein change: p.Arg1687fs; shifts the reading frame from arginine 1687.
Molecular consequence: frameshift variant.
Genome position (GRCh38, 1-based): chr17:31,326,043, A deleted. VCF-style (leftmost placement, unchanged base first): chr17-31326042-CA-C. GRCh37 (hg19) VCF-style: chr17-29653060-CA-C.
Other names: c.4996delA, p.Arg1666Glyfs (NM_000267.4); short protein forms R1666fs, R1687fs.
Identifiers: ClinVar variation 3653067 (VCV003653067.2).